The following is an entry in ClinVar:

NM_012154.5(AGO2):c.1613C>T (p.Thr538Met)

Gene: AGO2 (argonaute RISC catalytic component 2; minus strand). Cytogenetic location: 8q24.3.
Variant type: single nucleotide variant.
Coding change: c.1613C>T on transcript NM_012154.5 (MANE Select); coding-DNA position 1613, C replaced by T.
Protein change: p.Thr538Met; replaces threonine 538 with methionine.
Molecular consequence: missense variant.
Genome position (GRCh38, 1-based): chr8:140,547,603, G>A on the plus strand (C>T on the coding strand, the complement: AGO2 is on the minus strand). VCF-style: chr8-140547603-G-A. GRCh37 (hg19) VCF-style: chr8-141557702-G-A.
Other names: c.1613C>T, p.Thr538Met (NM_001164623.3); short protein forms T538M.
Identifiers: ClinVar variation 4795341 (VCV004795341.1).

ClinVar aggregate classification (germline): Uncertain significance (1 of 4 stars; one submission).

gnomAD v4.1: 1 of 1,613,726 alleles (0.000062%); highest among the groups gnomAD compares: Non-Finnish European, 0.000085%; no homozygotes.

Submission:

GeneDx
Classification: Uncertain significance. Last evaluated: 2025-08-16. Review status: criteria provided, single submitter. Criteria: GeneDx Variant Classification Process June 2021. Collection method: clinical testing. Allele origin: germline. Affected: yes.
Comment: Not observed at significant frequency in large population cohorts (gnomAD); In silico analysis supports that this missense variant has a deleterious effect on protein structure/function; Has not been previously published as pathogenic or benign to our knowledge